The following is an entry in ClinVar:

NM_021008.4(DEAF1):c.484_496del (p.Gly162fs)

Gene: DEAF1 (DEAF1 transcription factor; minus strand). Cytogenetic location: 11p15.5.
Variant type: Deletion.
Coding change: c.484_496del on transcript NM_021008.4 (MANE Select); coding-DNA positions 484 to 496, 13 bases deleted (GGGCTGAAAGGCC).
Protein change: p.Gly162fs; shifts the reading frame from glycine 162.
Molecular consequence: frameshift variant. On other transcripts: 5 prime UTR variant (1).
Genome position (GRCh38, 1-based): chr11:688,352-688,364, GGCCTTTCAGCCC deleted on the plus strand (GGGCTGAAAGGCC on the coding strand, the reverse complement: DEAF1 is on the minus strand); deleting any 13 consecutive bases within chr11:688,352-688,366 gives the same sequence; the c. name uses the placement nearest the transcript's 3' end. VCF-style (leftmost placement, unchanged base first): chr11-688351-GGGCCTTTCAGCCC-G. GRCh37 (hg19) VCF-style: chr11-688351-GGGCCTTTCAGCCC-G.
Other names: c.482_494delCCGGGCTGAAAGG, p.Gly162Argfs (NM_001293634.2); c.-243_-231del (NM_001367390.1); short protein forms G162fs.
Identifiers: ClinVar variation 1380773 (VCV001380773.6), dbSNP rs1339559716, ClinGen allele CA679576308.

ClinVar aggregate classification (germline): Pathogenic (1 of 4 stars; one submission).

Submission:

Labcorp Genetics (formerly Invitae), Labcorp
Classification: Pathogenic. Last evaluated: 2021-05-14. Review status: criteria provided, single submitter. Criteria: Invitae Variant Classification Sherloc (09022015). Collection method: clinical testing. Allele origin: germline.
Comment: For these reasons, this variant has been classified as Pathogenic. This variant has not been reported in the literature in individuals with DEAF1-related conditions. This variant is not present in population databases (ExAC no frequency). This sequence change creates a premature translational stop signal (p.Gly162Argfs*107) in the DEAF1 gene. It is expected to result in an absent or disrupted protein product. Loss-of-function variants in DEAF1 are known to be pathogenic (PMID: 30923367).

Literature cited by the submitters: PubMed 30923367.